The following is an entry in ClinVar:

NM_006623.4(PHGDH):c.1289C>A (p.Ala430Asp)

Gene: PHGDH (phosphoglycerate dehydrogenase; plus strand). Cytogenetic location: 1p12.
Variant type: single nucleotide variant.
Coding change: c.1289C>A on transcript NM_006623.4 (MANE Select); coding-DNA position 1289, C replaced by A.
Protein change: p.Ala430Asp; replaces alanine 430 with aspartic acid.
Molecular consequence: missense variant.
Genome position (GRCh38, 1-based): chr1:119,742,886, C>A. VCF-style: chr1-119742886-C-A. GRCh37 (hg19) VCF-style: chr1-120285509-C-A.
Other names: short protein forms A430D.
Identifiers: ClinVar variation 1714717 (VCV001714717.5), dbSNP rs2101224909, ClinGen allele CA341853638.

ClinVar aggregate classification (germline): Uncertain significance (1 of 4 stars; one submission).

Conditions:
PHGDH deficiency. Identifiers: Orphanet 79351, MedGen C1866174, MONDO:0011152, OMIM 601815.

Submission:

Labcorp Genetics (formerly Invitae), Labcorp
Classification: Uncertain significance for PHGDH deficiency. Last evaluated: 2022-08-22. Review status: criteria provided, single submitter. Criteria: Invitae Variant Classification Sherloc (09022015). Collection method: clinical testing. Allele origin: germline.
Comment: This variant is not present in population databases (gnomAD no frequency). In summary, the available evidence is currently insufficient to determine the role of this variant in disease. Therefore, it has been classified as a Variant of Uncertain Significance. Algorithms developed to predict the effect of missense changes on protein structure and function (SIFT, PolyPhen-2, Align-GVGD) all suggest that this variant is likely to be tolerated. This variant has not been reported in the literature in individuals affected with PHGDH-related conditions. This sequence change replaces alanine, which is neutral and non-polar, with aspartic acid, which is acidic and polar, at codon 430 of the PHGDH protein (p.Ala430Asp).